The following is an entry in ClinVar:

ClinVar aggregate classification (germline): Uncertain significance. Review status: criteria provided, multiple submitters, no conflicts (2 of 4 stars). 3 submissions from 3 submitters: Uncertain significance (3). Last evaluated 2025-05-14.

Conditions:
Hypertrophic cardiomyopathy. Also called: HYPERTROPHIC MYOCARDIOPATHY. Identifiers: Orphanet 217569, MedGen C0007194, MeSH D002312, MONDO:0005045, HP:0001639.

Allele frequency attached by ClinVar (database versions not stated): TOPMed below 0.00001; gnomAD 0.00001; gnomAD exomes 0.00001.
gnomAD v4.1: 7 of 1,613,834 alleles (0.00043%); highest among the groups gnomAD compares: Admixed American, 0.0017%; no homozygotes.

Submissions (3):

Ambry Genetics
Classification: Uncertain significance. Last evaluated: 2025-05-14. Review status: criteria provided, single submitter. Criteria: Ambry Variant Classification Scheme 2023. Collection method: clinical testing. Allele origin: germline.

Labcorp Genetics (formerly Invitae), Labcorp
Classification: Uncertain significance for Hypertrophic cardiomyopathy. Last evaluated: 2022-10-09. Review status: criteria provided, single submitter. Criteria: Invitae Variant Classification Sherloc (09022015). Collection method: clinical testing. Allele origin: germline.
Comment: This variant has not been reported in the literature in individuals affected with MYOM1-related conditions. In summary, the available evidence is currently insufficient to determine the role of this variant in disease. Therefore, it has been classified as a Variant of Uncertain Significance. Advanced modeling of protein sequence and biophysical properties (such as structural, functional, and spatial information, amino acid conservation, physicochemical variation, residue mobility, and thermodynamic stability) performed at Invitae indicates that this missense variant is expected to disrupt MYOM1 protein function. ClinVar contains an entry for this variant (Variation ID: 229027). This variant is present in population databases (no rsID available, gnomAD 0.007%). This sequence change replaces tyrosine, which is neutral and polar, with cysteine, which is neutral and slightly polar, at codon 1529 of the MYOM1 protein (p.Tyr1529Cys).

Laboratory for Molecular Medicine, Mass General Brigham Personalized Medicine
Classification: Uncertain significance. Last evaluated: 2016-02-18. Review status: criteria provided, single submitter. Criteria: LMM Criteria. Collection method: clinical testing. Allele origin: germline. Observed: 2 variant alleles.
Comment: The p.Tyr1529Cys variant in MYOM1 has not been previously reported in individual s with cardiomyopathy or in large population studies. Computational prediction t ools and conservation analysis suggest that the p.Tyr1529Cys variant may impact the protein, though this information is not predictive enough to determine patho genicity. In summary, the clinical significance of the p.Tyr1529Cys variant is u ncertain.

NM_003803.4(MYOM1):c.4586A>G (p.Tyr1529Cys)

Gene: MYOM1 (myomesin 1; minus strand). Cytogenetic location: 18p11.31.
Variant type: single nucleotide variant.
Coding change: c.4586A>G on transcript NM_003803.4 (MANE Select); coding-DNA position 4586, A replaced by G.
Protein change: p.Tyr1529Cys; replaces tyrosine 1529 with cysteine.
Molecular consequence: missense variant.
Genome position (GRCh38, 1-based): chr18:3,079,241, T>C on the plus strand (A>G on the coding strand, the complement: MYOM1 is on the minus strand). VCF-style: chr18-3079241-T-C. GRCh37 (hg19) VCF-style: chr18-3079239-T-C.
Other names: c.4298A>G, p.Tyr1433Cys (NM_019856.2); short protein forms Y1529C, Y1433C.
Identifiers: ClinVar variation 229027 (VCV000229027.11), dbSNP rs876657918, ClinGen allele CA10577044.